The following is an entry in ClinVar:

ClinVar aggregate classification (germline): Uncertain significance. Review status: criteria provided, multiple submitters, no conflicts (2 of 4 stars). 2 submissions from 2 submitters: Uncertain significance (2). Last evaluated 2022-03-18.

Conditions:
Nemaline myopathy 2 (NEM2). Also called: Nemaline myopathy 2, autosomal recessive. Identifiers: MedGen C1850569, MONDO:0009725, OMIM 256030.

Submissions (2):

Labcorp Genetics (formerly Invitae), Labcorp
Classification: Uncertain significance for Nemaline myopathy 2. Last evaluated: 2022-03-18. Review status: criteria provided, single submitter. Criteria: Invitae Variant Classification Sherloc (09022015). Collection method: clinical testing. Allele origin: germline.
Comment: This sequence change replaces asparagine, which is neutral and polar, with threonine, which is neutral and polar, at codon 5665 of the NEB protein (p.Asn5665Thr). This variant is not present in population databases (gnomAD no frequency). This variant has not been reported in the literature in individuals affected with NEB-related conditions. ClinVar contains an entry for this variant (Variation ID: 1052624). Algorithms developed to predict the effect of missense changes on protein structure and function are either unavailable or do not agree on the potential impact of this missense change (SIFT: "Deleterious"; PolyPhen-2: "Not Available"; Align-GVGD: "Class C0"). In summary, the available evidence is currently insufficient to determine the role of this variant in disease. Therefore, it has been classified as a Variant of Uncertain Significance.

Revvity Omics, Revvity
Classification: Uncertain significance. Last evaluated: 2019-10-15. Review status: criteria provided, single submitter. Criteria: ACMG Guidelines, 2015. Collection method: clinical testing. Allele origin: germline.

NM_001164508.2(NEB):c.16994A>C (p.Asn5665Thr)

Gene: NEB (nebulin; minus strand). Cytogenetic location: 2q23.3.
Variant type: single nucleotide variant.
Coding change: c.16994A>C on transcript NM_001164508.2 (MANE Select); coding-DNA position 16994, A replaced by C.
Protein change: p.Asn5665Thr; replaces asparagine 5665 with threonine.
Molecular consequence: missense variant.
Genome position (GRCh38, 1-based): chr2:151,575,714, T>G on the plus strand (A>C on the coding strand, the complement: NEB is on the minus strand). VCF-style: chr2-151575714-T-G. GRCh37 (hg19) VCF-style: chr2-152432228-T-G.
Other names: c.16994A>C, p.Asn5665Thr (NM_001164507.2, NM_001271208.2); c.11891A>C, p.Asn3964Thr (NM_004543.5); c.16994A>C (NM_001271208.1); short protein forms N3964T, N5665T.
Identifiers: ClinVar variation 1052624 (VCV001052624.10), dbSNP rs2153806253, ClinGen allele CA348809368.